The following is an entry in ClinVar:

ClinVar aggregate classification (germline): Uncertain significance (1 of 4 stars; one submission).

Submission:

GeneDx
Classification: Uncertain significance. Last evaluated: 2026-02-06. Review status: criteria provided, single submitter. Criteria: GeneDx Variant Classification Process June 2021. Collection method: clinical testing. Allele origin: germline. Affected: yes.
Comment: Not observed at significant frequency in large population cohorts (gnomAD); In silico analysis supports that this missense variant has a deleterious effect on protein structure/function; Has not been previously published as pathogenic or benign to our knowledge

NM_004977.3(KCNC3):c.814T>A (p.Trp272Arg)

Genes: KCNC3 (potassium voltage-gated channel subfamily C member 3; minus strand), LOC130064972 (ATAC-STARR-seq lymphoblastoid silent region 10954; plus strand). Cytogenetic location: 19q13.33.
Variant type: single nucleotide variant.
Coding change: c.814T>A on transcript NM_004977.3 (MANE Select); coding-DNA position 814, T replaced by A.
Protein change: p.Trp272Arg; replaces tryptophan 272 with arginine.
Molecular consequence: missense variant.
Genome position (GRCh38, 1-based): chr19:50,328,269, A>T on the plus strand (T>A on the coding strand, the complement: KCNC3 is on the minus strand). VCF-style: chr19-50328269-A-T. GRCh37 (hg19) VCF-style: chr19-50831526-A-T.
Other names: c.586T>A, p.Trp196Arg (NM_001372305.1); short protein forms W196R, W272R.
Identifiers: ClinVar variation 2506707 (VCV002506707.2), dbSNP rs2513803304, ClinGen allele CA406953919.